The following is an entry in ClinVar:

ClinVar aggregate classification (germline): Likely pathogenic (1 of 4 stars; one submission).

Submission:

Dasa
Classification: Likely pathogenic. Last evaluated: 2025-11-30. Review status: criteria provided, single submitter. Criteria: DASA Assertion Criteria. Collection method: clinical testing. Allele origin: germline.
Comment: NM_000186.4(CFH):c.2264C>A (p.Ser755*) is a nonsense variant in CFH predicted to introduce a premature termination codon and is predicted to result in an absent or altered protein product. Loss of function is an established disease mechanism for CFH-associated disorders. Also, this variant is rare in population databases. Based on the currently available evidence, this variant is classified as likely pathogenic.

NM_000186.4(CFH):c.2264C>A (p.Ser755Ter)

Gene: CFH (complement factor H; plus strand). Cytogenetic location: 1q31.3.
Variant type: single nucleotide variant.
Coding change: c.2264C>A on transcript NM_000186.4 (MANE Select); coding-DNA position 2264, C replaced by A.
Protein change: p.Ser755Ter; replaces serine 755 with a stop codon.
Molecular consequence: nonsense.
Genome position (GRCh38, 1-based): chr1:196,728,373, C>A. VCF-style: chr1-196728373-C-A. GRCh37 (hg19) VCF-style: chr1-196697503-C-A.
Other names: short protein forms S755*.
Identifiers: ClinVar variation 4885249 (VCV004885249.2).